The following is an entry in ClinVar:

NM_003322.6(TULP1):c.159C>A (p.Cys53Ter)

Gene: TULP1 (TUB like protein 1; minus strand). Cytogenetic location: 6p21.31.
Variant type: single nucleotide variant.
Coding change: c.159C>A on transcript NM_003322.6 (MANE Select); coding-DNA position 159, C replaced by A.
Protein change: p.Cys53Ter; replaces cysteine 53 with a stop codon.
Molecular consequence: nonsense.
Genome position (GRCh38, 1-based): chr6:35,512,211, G>T on the plus strand (C>A on the coding strand, the complement: TULP1 is on the minus strand). VCF-style: chr6-35512211-G-T. GRCh37 (hg19) VCF-style: chr6-35479988-G-T.
Other names: c.159C>A, p.Cys53Ter (NM_001289395.2); short protein forms C53*.
Identifiers: ClinVar variation 3341376 (VCV003341376.1).
Genomic context (GRCh38, chr6:35,512,211, plus strand): 5'-GGTCCACCCGGGCTCTGCACCCCGCCCACCTCCGGGCTTCCGGGGCTTGGATCCCGTGGG[G>T]CAGGGGGATTCGGGGGCCTCCGTCCTCTTCTTCCTTAGCCTCTGTGCCGGGGCGGGTCGC-3'

ClinVar aggregate classification (germline): Likely pathogenic (1 of 4 stars; one submission).

Conditions:
Leber congenital amaurosis 15 (LCA15). Identifiers: Orphanet 65, MedGen C3151206, MONDO:0013457, OMIM 613843.

Submission:

Neuberg Centre For Genomic Medicine, NCGM
Classification: Likely pathogenic for Leber congenital amaurosis 15. Last evaluated: 2023-05-20. Review status: criteria provided, single submitter. Criteria: ACMG Guidelines, 2015. Collection method: clinical testing. Allele origin: germline. Inheritance: Autosomal recessive inheritance. Affected: yes.
Comment: The observed stop gained c.159C>A (p.Cys53Ter) variant in TULP1 gene has not been reported previously as a pathogenic variant nor as a benign variant, to our knowledge. The p.Cys53Ter variant is absent in gnomAD Exomes. This variant has not been submitted to the ClinVar database. Computational evidence (MutationTaster - Disease causing) predicts damaging effect on protein structure and function for this variant. The nucleotide change c.159C>A in TULP1 is predicted as conserved by GERP++ and PhyloP across 100 vertebrates. This sequence change creates a premature translational stop signal (p.Cys53Ter) in the TULP1 gene. This variant is predicted to cause loss of normal protein function through protein truncation. Loss of function variants in TULP1 gene have been previously reported to be disease causing (Jacobson et al., 2014). However, additional functional studies will be required to prove the pathogenicity of this variant. For these reasons, this variant has been classified as Likely Pathogenic.